The following is an entry in ClinVar:

NM_001042492.3(NF1):c.3986C>T (p.Ser1329Leu)

Gene: NF1 (neurofibromin 1; plus strand). Cytogenetic location: 17q11.2.
Variant type: single nucleotide variant.
Coding change: c.3986C>T on transcript NM_001042492.3 (MANE Select); coding-DNA position 3986, C replaced by T.
Protein change: p.Ser1329Leu; replaces serine 1329 with leucine.
Molecular consequence: missense variant.
Genome position (GRCh38, 1-based): chr17:31,248,995, C>T. VCF-style: chr17-31248995-C-T. GRCh37 (hg19) VCF-style: chr17-29576013-C-T.
Other names: c.3986C>T, p.Ser1329Leu (NM_000267.4); short protein forms S1329L.
Identifiers: ClinVar variation 1495315 (VCV001495315.9), dbSNP rs1060500319, ClinGen allele CA398994829.

ClinVar aggregate classification (germline): Uncertain significance. Review status: criteria provided, multiple submitters, no conflicts (2 of 4 stars). 3 submissions from 3 submitters: Uncertain significance (3). Last evaluated 2025-06-16.

Conditions:
Neurofibromatosis, type 1 (NF1). Also called: NEUROFIBROMATOSIS, TYPE I, SOMATIC; VON RECKLINGHAUSEN DISEASE; Peripheral type neurofibromatosis; Neurofibromatosis, type I. Identifiers: Orphanet 636, MedGen C0027831, MONDO:0018975, OMIM 162200. Disease mechanism: loss of function.
Hereditary cancer-predisposing syndrome. Also called: Tumor predisposition; Hereditary neoplastic syndrome; Hereditary Cancer Syndrome; Neoplastic Syndromes, Hereditary. Identifiers: Orphanet 140162, MedGen C0027672, MeSH D009386, MONDO:0015356.
Cardiovascular phenotype. Identifiers: MedGen CN230736.

Allele frequency attached by ClinVar (database versions not stated): gnomAD exomes below 0.00001.
gnomAD v4.1: 2 of 1,614,048 alleles (0.00012%); highest among the groups gnomAD compares: South Asian, 0.0011%; no homozygotes.

Submissions (3):

Labcorp Genetics (formerly Invitae), Labcorp
Classification: Uncertain significance for Neurofibromatosis, type 1. Last evaluated: 2025-06-16. Review status: criteria provided, single submitter. Criteria: Invitae Variant Classification Sherloc (09022015). Collection method: clinical testing. Allele origin: germline.
Comment: This sequence change replaces serine, which is neutral and polar, with leucine, which is neutral and non-polar, at codon 1329 of the NF1 protein (p.Ser1329Leu). This variant is not present in population databases (gnomAD no frequency). This variant has not been reported in the literature in individuals affected with NF1-related conditions. ClinVar contains an entry for this variant (Variation ID: 1495315). Invitae Evidence Modeling of protein sequence and biophysical properties (such as structural, functional, and spatial information, amino acid conservation, physicochemical variation, residue mobility, and thermodynamic stability) indicates that this missense variant is not expected to disrupt NF1 protein function with a negative predictive value of 95%. In summary, the available evidence is currently insufficient to determine the role of this variant in disease. Therefore, it has been classified as a Variant of Uncertain Significance.

Blueprint Genetics
Classification: Uncertain significance. Last evaluated: 2022-07-15. Review status: criteria provided, single submitter. Criteria: ACMG Guidelines, 2015. Collection method: clinical testing. Allele origin: germline.

Ambry Genetics
Classification: Uncertain significance for Cardiovascular phenotype; Hereditary cancer-predisposing syndrome. Last evaluated: 2022-04-27. Review status: criteria provided, single submitter. Criteria: Ambry Variant Classification Scheme 2023. Collection method: clinical testing. Allele origin: germline.
Comment: The p.S1329L variant (also known as c.3986C>T), located in coding exon 30 of the NF1 gene, results from a C to T substitution at nucleotide position 3986. The serine at codon 1329 is replaced by leucine, an amino acid with dissimilar properties. This amino acid position is conserved. In addition, this alteration is predicted to be tolerated by in silico analysis. Since supporting evidence is limited at this time, the clinical significance of this alteration remains unclear.